The following is an entry in ClinVar:

NM_198129.4(LAMA3):c.6358C>T (p.Gln2120Ter)

Gene: LAMA3 (laminin subunit alpha 3; plus strand). Cytogenetic location: 18q11.2.
Variant type: single nucleotide variant.
Coding change: c.6358C>T on transcript NM_198129.4 (MANE Select); coding-DNA position 6358, C replaced by T.
Protein change: p.Gln2120Ter; replaces glutamine 2120 with a stop codon.
Molecular consequence: nonsense.
Genome position (GRCh38, 1-based): chr18:23,903,972, C>T. VCF-style: chr18-23903972-C-T. GRCh37 (hg19) VCF-style: chr18-21483936-C-T.
Other names: c.1531C>T, p.Gln511Ter (NM_000227.6); c.6190C>T, p.Gln2064Ter (NM_001127717.4); c.1363C>T, p.Gln455Ter (NM_001127718.4); short protein forms Q2064*, Q2120*, Q511*, Q455*.
Identifiers: ClinVar variation 2736711 (VCV002736711.3), dbSNP rs2511406297, ClinGen allele CA402050012.

ClinVar aggregate classification (germline): Pathogenic (1 of 4 stars; one submission).

Allele frequency attached by ClinVar (database versions not stated): gnomAD exomes below 0.00001.
gnomAD v4.1: 1 of 1,613,710 alleles (0.000062%); no homozygotes.

Submission:

Labcorp Genetics (formerly Invitae), Labcorp
Classification: Pathogenic. Last evaluated: 2023-12-30. Review status: criteria provided, single submitter. Criteria: Invitae Variant Classification Sherloc (09022015). Collection method: clinical testing. Allele origin: germline.
Comment: This sequence change creates a premature translational stop signal (p.Gln511*) in the LAMA3 gene. It is expected to result in an absent or disrupted protein product. Loss-of-function variants in LAMA3 are known to be pathogenic (PMID: 10366601, 11810295, 12915477, 16473856, 17362460, 22434185, 23869449, 27827380, 28087116). This variant is not present in population databases (gnomAD no frequency). This premature translational stop signal has been observed in individual(s) with junctional epidermolysis bullosa (PMID: 11810295). This variant is also known as Q500X. Algorithms developed to predict the effect of sequence changes on RNA splicing suggest that this variant may disrupt the consensus splice site. For these reasons, this variant has been classified as Pathogenic.

Literature cited by the submitters: PubMed 10366601; PubMed 11810295; PubMed 12915477; PubMed 16473856; PubMed 17362460; PubMed 22434185; PubMed 23869449; PubMed 27827380; PubMed 28087116.